The following is an entry in ClinVar:

ClinVar aggregate classification (germline): Benign. Review status: criteria provided, multiple submitters, no conflicts (2 of 4 stars). 2 submissions from 2 submitters: Benign (2). Last evaluated 2018-06-16.

Allele frequency attached by ClinVar (database versions not stated): TOPMed 0.08940; 1000 Genomes Project 30x 0.08994; gnomAD 0.09215 and 0.09497; 1000 Genomes Project 0.09485; gnomAD exomes 0.11729.
gnomAD v4.1: 60,878 of 549,156 alleles (11%); highest among the groups gnomAD compares: Middle Eastern, 14%; 3,735 homozygotes.

Submissions (2):

GeneDx
Classification: Benign. Last evaluated: 2018-06-16. Review status: criteria provided, single submitter. Criteria: GeneDx Variant Classification (06012015). Collection method: clinical testing. Allele origin: germline. Affected: yes.
Comment: This variant is considered likely benign or benign based on one or more of the following criteria: it is a conservative change, it occurs at a poorly conserved position in the protein, it is predicted to be benign by multiple in silico algorithms, and/or has population frequency not consistent with disease.

Breakthrough Genomics
Classification: Benign. Review status: criteria provided, single submitter. Criteria: ACMG Guidelines, 2015. Collection method: not provided. Allele origin: germline. Inheritance: Autosomal recessive inheritance. Affected: yes.

NM_153240.5(NPHP3):c.3812+290T>C

Genes: NPHP3 (nephrocystin 3; minus strand), NPHP3-ACAD11 (NPHP3-ACAD11 readthrough (NMD candidate); minus strand). Cytogenetic location: 3q22.1.
Variant type: single nucleotide variant.
Coding change: c.3812+290T>C on transcript NM_153240.5 (MANE Select); 290 bases into the intron after coding-DNA position 3812, T replaced by C.
Molecular consequence: intron variant.
Genome position (GRCh38, 1-based): chr3:132,682,413, A>G on the plus strand (T>C on the coding strand, the complement: NPHP3 is on the minus strand). VCF-style: chr3-132682413-A-G. GRCh37 (hg19) VCF-style: chr3-132401257-A-G.
Identifiers: ClinVar variation 673525 (VCV000673525.2), dbSNP rs11925495, ClinGen allele CA15277360.
Genomic context (GRCh38, chr3:132,682,413, plus strand): 5'-TCTCTGCATCCTGAGAAAAATACAAATGAGCAAGCAAAAGTCAACATATACTTAATGGCA[A>G]CTTCACTCTGGGGACAGCAAATTACCCATATTACTCCCAGAGCCAGATGTAGTATAAACC-3'